The following is an entry in ClinVar:

ClinVar aggregate classification (germline): Likely pathogenic (1 of 4 stars; one submission).

Submission:

Labcorp Genetics (formerly Invitae), Labcorp
Classification: Likely pathogenic. Last evaluated: 2023-09-04. Review status: criteria provided, single submitter. Criteria: Invitae Variant Classification Sherloc (09022015). Collection method: clinical testing. Allele origin: germline.
Comment: This sequence change replaces threonine, which is neutral and polar, with alanine, which is neutral and non-polar, at codon 86 of the GJB2 protein (p.Thr86Ala). This variant is not present in population databases (gnomAD no frequency). This missense change has been observed in individual(s) with nonsyndromic hearing loss (PMID: 25149764). Advanced modeling of protein sequence and biophysical properties (such as structural, functional, and spatial information, amino acid conservation, physicochemical variation, residue mobility, and thermodynamic stability) performed at Invitae indicates that this missense variant is expected to disrupt GJB2 protein function. This variant disrupts the p.Thr86 amino acid residue in GJB2. Other variant(s) that disrupt this residue have been determined to be pathogenic (PMID: 19384972, 26763877, 30896630, 31160754). This suggests that this residue is clinically significant, and that variants that disrupt this residue are likely to be disease-causing. In summary, the currently available evidence indicates that the variant is pathogenic, but additional data are needed to prove that conclusively. Therefore, this variant has been classified as Likely Pathogenic.

Literature cited by the submitters: PubMed 25149764; PubMed 19384972; PubMed 26763877; PubMed 30896630; PubMed 31160754.

NM_004004.6(GJB2):c.256A>G (p.Thr86Ala)

Gene: GJB2 (gap junction protein beta 2; minus strand). Cytogenetic location: 13q12.11.
Variant type: single nucleotide variant.
Coding change: c.256A>G on transcript NM_004004.6 (MANE Select); coding-DNA position 256, A replaced by G.
Protein change: p.Thr86Ala; replaces threonine 86 with alanine.
Molecular consequence: missense variant.
Genome position (GRCh38, 1-based): chr13:20,189,326, T>C on the plus strand (A>G on the coding strand, the complement: GJB2 is on the minus strand). VCF-style: chr13-20189326-T-C. GRCh37 (hg19) VCF-style: chr13-20763465-T-C.
Other names: short protein forms T86A.
Identifiers: ClinVar variation 2757846 (VCV002757846.3), dbSNP rs2500251771, ClinGen allele CA387461530.